The following is an entry in ClinVar:

ClinVar aggregate classification (germline): Uncertain significance (1 of 4 stars; one submission).

Conditions:
Breast-ovarian cancer, familial, susceptibility to, 4. Identifiers: Orphanet 145, MedGen C3280345, MONDO:0013669, OMIM 614291.

Submission:

Labcorp Genetics (formerly Invitae), Labcorp
Classification: Uncertain significance for Breast-ovarian cancer, familial, susceptibility to, 4. Last evaluated: 2023-03-13. Review status: criteria provided, single submitter. Criteria: Invitae Variant Classification Sherloc (09022015). Collection method: clinical testing. Allele origin: germline.
Comment: In summary, the available evidence is currently insufficient to determine the role of this variant in disease. Therefore, it has been classified as a Variant of Uncertain Significance. An algorithm developed to predict the effect of missense changes on protein structure and function (PolyPhen-2) suggests that this variant is likely to be disruptive. This variant has not been reported in the literature in individuals affected with RAD51D-related conditions. This variant is not present in population databases (gnomAD no frequency). This sequence change replaces glutamine, which is neutral and polar, with leucine, which is neutral and non-polar, at codon 191 of the RAD51D protein (p.Gln191Leu).

NM_002878.4(RAD51D):c.572A>T (p.Gln191Leu)

Genes: RAD51L3-RFFL (RAD51L3-RFFL readthrough; minus strand), RAD51D (RAD51 paralog D; minus strand). Cytogenetic location: 17q12.
Variant type: single nucleotide variant.
Coding change: c.572A>T on transcript NM_002878.4 (MANE Select); coding-DNA position 572, A replaced by T.
Protein change: p.Gln191Leu; replaces glutamine 191 with leucine.
Molecular consequence: missense variant. On other transcripts: non-coding transcript variant (3).
Genome position (GRCh38, 1-based): chr17:35,106,390, T>A on the plus strand (A>T on the coding strand, the complement: RAD51D is on the minus strand). VCF-style: chr17-35106390-T-A. GRCh37 (hg19) VCF-style: chr17-33433409-T-A.
Other names: c.632A>T, p.Gln211Leu (NM_001142571.2); c.236A>T, p.Gln79Leu (NM_133629.3); short protein forms Q211L, Q79L, Q191L.
Identifiers: ClinVar variation 2826667 (VCV002826667.3), dbSNP rs2509135048, ClinGen allele CA399088523.